The following is an entry in ClinVar:

ClinVar aggregate classification (germline): Uncertain significance (1 of 4 stars; one submission).

Conditions:
Encephalopathy, acute, infection-induced (herpes-specific), susceptibility to, 1. Also called: Herpes simplex encephalitis, susceptibility to, 1. Identifiers: Orphanet 1930, MedGen C2750180, MONDO:0024563, OMIM 610551.

Allele frequency attached by ClinVar (database versions not stated): TOPMed below 0.00001; gnomAD exomes 0.00001.
gnomAD v4.1: 10 of 1,614,214 alleles (0.00062%); highest among the groups gnomAD compares: Non-Finnish European, 0.00085%; no homozygotes.

Submission:

Labcorp Genetics (formerly Invitae), Labcorp
Classification: Uncertain significance for Encephalopathy, acute, infection-induced (herpes-specific), susceptibility to, 1. Last evaluated: 2023-12-25. Review status: criteria provided, single submitter. Criteria: Invitae Variant Classification Sherloc (09022015). Collection method: clinical testing. Allele origin: germline.
Comment: This sequence change replaces valine, which is neutral and non-polar, with glycine, which is neutral and non-polar, at codon 30 of the TLR3 protein (p.Val30Gly). This variant is not present in population databases (gnomAD no frequency). This variant has not been reported in the literature in individuals affected with TLR3-related conditions. An algorithm developed to predict the effect of missense changes on protein structure and function (PolyPhen-2) suggests that this variant is likely to be tolerated. In summary, the available evidence is currently insufficient to determine the role of this variant in disease. Therefore, it has been classified as a Variant of Uncertain Significance.

NM_003265.3(TLR3):c.89T>G (p.Val30Gly)

Gene: TLR3 (toll like receptor 3; plus strand). Cytogenetic location: 4q35.1.
Variant type: single nucleotide variant.
Coding change: c.89T>G on transcript NM_003265.3 (MANE Select); coding-DNA position 89, T replaced by G.
Protein change: p.Val30Gly; replaces valine 30 with glycine.
Molecular consequence: missense variant.
Genome position (GRCh38, 1-based): chr4:186,076,708, T>G. VCF-style: chr4-186076708-T-G. GRCh37 (hg19) VCF-style: chr4-186997862-T-G.
Other names: short protein forms V30G.
Identifiers: ClinVar variation 3012030 (VCV003012030.3), dbSNP rs929907117, ClinGen allele CA112539628.